The following is an entry in ClinVar:

NM_022095.4(ZNF335):c.1072C>T (p.Pro358Ser)

Gene: ZNF335 (zinc finger protein 335; minus strand). Cytogenetic location: 20q13.12.
Variant type: single nucleotide variant.
Coding change: c.1072C>T on transcript NM_022095.4 (MANE Select); coding-DNA position 1072, C replaced by T.
Protein change: p.Pro358Ser; replaces proline 358 with serine.
Molecular consequence: missense variant.
Genome position (GRCh38, 1-based): chr20:45,965,658, G>A on the plus strand (C>T on the coding strand, the complement: ZNF335 is on the minus strand). VCF-style: chr20-45965658-G-A. GRCh37 (hg19) VCF-style: chr20-44594297-G-A.
Other names: short protein forms P358S.
Identifiers: ClinVar variation 2772512 (VCV002772512.3), dbSNP rs2515573757, ClinGen allele CA409252067.

ClinVar aggregate classification (germline): Uncertain significance (1 of 4 stars; one submission).

Allele frequency attached by ClinVar (database versions not stated): gnomAD exomes below 0.00001.
gnomAD v4.1: 1 of 1,599,780 alleles (0.000063%); highest among the groups gnomAD compares: Non-Finnish European, 0.000085%; no homozygotes.

Submission:

Labcorp Genetics (formerly Invitae), Labcorp
Classification: Uncertain significance. Last evaluated: 2023-10-28. Review status: criteria provided, single submitter. Criteria: Invitae Variant Classification Sherloc (09022015). Collection method: clinical testing. Allele origin: germline.
Comment: This sequence change replaces proline, which is neutral and non-polar, with serine, which is neutral and polar, at codon 358 of the ZNF335 protein (p.Pro358Ser). This variant is not present in population databases (gnomAD no frequency). This variant has not been reported in the literature in individuals affected with ZNF335-related conditions. Advanced modeling of protein sequence and biophysical properties (such as structural, functional, and spatial information, amino acid conservation, physicochemical variation, residue mobility, and thermodynamic stability) performed at Invitae indicates that this missense variant is not expected to disrupt ZNF335 protein function with a negative predictive value of 80%. In summary, the available evidence is currently insufficient to determine the role of this variant in disease. Therefore, it has been classified as a Variant of Uncertain Significance.